The following is an entry in ClinVar:

ClinVar aggregate classification (germline): Uncertain significance. Review status: criteria provided, multiple submitters, no conflicts (2 of 4 stars). 3 submissions from 3 submitters: Uncertain significance (3). Last evaluated 2021-09-21.

Conditions:
Inborn genetic diseases. Identifiers: MedGen C0950123, MeSH D030342.
Charcot-Marie-Tooth disease type 4. Also called: Charcot-Marie-Tooth disease, type IV; Charcot-Marie-Tooth, Type 4. Identifiers: Orphanet 64749, MedGen C4082197, MONDO:0018995.

Submissions (3):

Athena Diagnostics
Classification: Uncertain significance. Last evaluated: 2021-09-21. Review status: criteria provided, single submitter. Criteria: Athena Diagnostics Criteria. Collection method: clinical testing. Allele origin: unknown.

Labcorp Genetics (formerly Invitae), Labcorp
Classification: Uncertain significance for Charcot-Marie-Tooth disease type 4. Last evaluated: 2021-09-14. Review status: criteria provided, single submitter. Criteria: Invitae Variant Classification Sherloc (09022015). Collection method: clinical testing. Allele origin: germline.
Comment: This variant, c.1568_1645del, results in the deletion of 26 amino acid(s) of the PRX protein (p.Leu523_Leu548del), but otherwise preserves the integrity of the reading frame. This variant is not present in population databases (ExAC no frequency). This variant has not been reported in the literature in individuals affected with PRX-related conditions. ClinVar contains an entry for this variant (Variation ID: 862943). Experimental studies and prediction algorithms are not available or were not evaluated, and the functional significance of this variant is currently unknown. In summary, the available evidence is currently insufficient to determine the role of this variant in disease. Therefore, it has been classified as a Variant of Uncertain Significance.

Ambry Genetics
Classification: Uncertain significance for Inborn genetic diseases. Last evaluated: 2021-04-22. Review status: criteria provided, single submitter. Criteria: Ambry Variant Classification Scheme 2023. Collection method: clinical testing. Allele origin: germline.
Comment: The c.1568_1645del78 variant (also known as p.L523_L548del) is located in coding exon 4 of the PRX gene. This variant results from an in-frame TGAAAGTGTCGGAGATGAAACTCCCAAAGGTGCCAGAGATGGCTGTGCCGGAGGTGCGGCTTCCAGAGGTACAGCTGC deletion at nucleotide positions 1568 to 1645. This results in the in-frame deletion of 26 amino acids at codon 523. This amino acid region is not well conserved in available vertebrate species. Since supporting evidence is limited at this time, the clinical significance of this alteration remains unclear.

NM_181882.3(PRX):c.1568_1645del (p.Leu523_Leu548del)

Gene: PRX (periaxin; minus strand). Cytogenetic location: 19q13.2.
Variant type: Deletion.
Coding change: c.1568_1645del on transcript NM_181882.3 (MANE Select); coding-DNA positions 1568 to 1645, 78 bases deleted.
Protein change: p.Leu523_Leu548del.
Molecular consequence: inframe deletion. On other transcripts: 3 prime UTR variant (1).
Genome position (GRCh38, 1-based): chr19:40,396,707-40,396,784, 78 bases deleted. GRCh37 (hg19): chr19:40,902,681-40,902,758.
Other names: c.*1773_*1850del (NM_020956.2); c.1568_1645del78 (NM_181882.2).
Identifiers: ClinVar variation 862943 (VCV000862943.10), ClinGen allele CA916081231.